The following is an entry in ClinVar:

ClinVar aggregate classification (germline): Uncertain significance (1 of 4 stars; one submission).

Conditions:
Glycogen storage disease due to muscle and heart glycogen synthase deficiency. Also called: GSD 0b; MUSCLE GLYCOGEN SYNTHASE DEFICIENCY. Identifiers: Orphanet 137625, MedGen C1969054, MONDO:0012693, OMIM 611556.

Allele frequency attached by ClinVar (database versions not stated): gnomAD 0.00001.
gnomAD v4.1: 1 of 1,613,720 alleles (0.000062%); highest among the groups gnomAD compares: Admixed American, 0.0017%; no homozygotes.

Submission:

Labcorp Genetics (formerly Invitae), Labcorp
Classification: Uncertain significance for Glycogen storage disease due to muscle and heart glycogen synthase deficiency. Last evaluated: 2021-08-26. Review status: criteria provided, single submitter. Criteria: Invitae Variant Classification Sherloc (09022015). Collection method: clinical testing. Allele origin: germline.
Comment: This sequence change replaces serine with threonine at codon 532 of the GYS1 protein (p.Ser532Thr). The serine residue is highly conserved and there is a small physicochemical difference between serine and threonine. This variant is not present in population databases (ExAC no frequency). This variant has not been reported in the literature in individuals affected with GYS1-related conditions. Algorithms developed to predict the effect of missense changes on protein structure and function are either unavailable or do not agree on the potential impact of this missense change (SIFT: "Deleterious"; PolyPhen-2: "Benign"; Align-GVGD: "Class C55"). In summary, the available evidence is currently insufficient to determine the role of this variant in disease. Therefore, it has been classified as a Variant of Uncertain Significance.

NM_002103.5(GYS1):c.1594T>A (p.Ser532Thr)

Genes: GYS1 (glycogen synthase 1; minus strand), LOC119369037 (CRISPRi-FlowFISH-validated FTL regulatory element 4; plus strand). Cytogenetic location: 19q13.33.
Variant type: single nucleotide variant.
Coding change: c.1594T>A on transcript NM_002103.5 (MANE Select); coding-DNA position 1594, T replaced by A.
Protein change: p.Ser532Thr; replaces serine 532 with threonine.
Molecular consequence: missense variant. On other transcripts: non-coding transcript variant (1).
Genome position (GRCh38, 1-based): chr19:48,970,979, A>T on the plus strand (T>A on the coding strand, the complement: GYS1 is on the minus strand). VCF-style: chr19-48970979-A-T. GRCh37 (hg19) VCF-style: chr19-49474236-A-T.
Other names: c.1402T>A, p.Ser468Thr (NM_001161587.2); short protein forms S468T, S532T.
Identifiers: ClinVar variation 1515349 (VCV001515349.1), dbSNP rs2038555927, ClinGen allele CA406760599.
Genomic context (GRCh38, chr19:48,970,979, plus strand): 5'-GGCGCTGACCGTAAGCTGAGGGGTCTGCGATGTGTTCCTCCATGAAGCAGCCGAAGCCGG[A>T]GAGATTGGTGGAGATACTGGGGATTCCCATAACCGTGCACTCAGCTGCGGGAAGGCAGGA-3'
Protein context (NP_002094.2, residues 522-542): MGIPSISTNL[Ser532Thr]GFGCFMEEHI